The following is an entry in ClinVar:

ClinVar aggregate classification (germline): Uncertain significance. Review status: criteria provided, multiple submitters, no conflicts (2 of 4 stars). 2 submissions from 2 submitters: Uncertain significance (2). Last evaluated 2024-02-24.

Conditions:
Inborn genetic diseases. Identifiers: MedGen C0950123, MeSH D030342.

Allele frequency attached by ClinVar (database versions not stated): ExAC 0.00002; gnomAD 0.00002; gnomAD exomes 0.00002 and 0.00003; TOPMed 0.00002.
gnomAD v4.1: 50 of 1,614,020 alleles (0.0031%); highest among the groups gnomAD compares: South Asian, 0.0055%; no homozygotes.

Submissions (2):

Labcorp Genetics (formerly Invitae), Labcorp
Classification: Uncertain significance. Last evaluated: 2024-02-24. Review status: criteria provided, single submitter. Criteria: Invitae Variant Classification Sherloc (09022015). Collection method: clinical testing. Allele origin: germline.
Comment: This sequence change replaces arginine, which is basic and polar, with glutamine, which is neutral and polar, at codon 388 of the ARMC9 protein (p.Arg388Gln). This variant is present in population databases (rs201100561, gnomAD 0.004%). This variant has not been reported in the literature in individuals affected with ARMC9-related conditions. ClinVar contains an entry for this variant (Variation ID: 1372347). Experimental studies and prediction algorithms are not available or were not evaluated, and the functional significance of this variant is currently unknown. In summary, the available evidence is currently insufficient to determine the role of this variant in disease. Therefore, it has been classified as a Variant of Uncertain Significance.

Ambry Genetics
Classification: Uncertain significance for Inborn genetic diseases. Last evaluated: 2021-05-21. Review status: criteria provided, single submitter. Criteria: Ambry Variant Classification Scheme 2023. Collection method: clinical testing. Allele origin: germline.

NM_001352754.2(ARMC9):c.1163G>A (p.Arg388Gln)

Gene: ARMC9 (armadillo repeat containing 9; plus strand). Cytogenetic location: 2q37.1.
Variant type: single nucleotide variant.
Coding change: c.1163G>A on transcript NM_001352754.2 (MANE Select); coding-DNA position 1163, G replaced by A.
Protein change: p.Arg388Gln; replaces arginine 388 with glutamine.
Molecular consequence: missense variant. On other transcripts: non-coding transcript variant (1).
Genome position (GRCh38, 1-based): chr2:231,271,025, G>A. VCF-style: chr2-231271025-G-A. GRCh37 (hg19) VCF-style: chr2-232135738-G-A.
Other names: c.1163G>A, p.Arg388Gln (NM_001352756.2, NM_001352759.2, NM_025139.6 and 3 more transcripts); c.1064G>A, p.Arg355Gln (NM_001352757.2, NM_001352758.2); c.1163G>A (NM_025139.3); short protein forms R355Q, R388Q.
Identifiers: ClinVar variation 1372347 (VCV001372347.5), dbSNP rs201100561, ClinGen allele CA2160218.